The following is an entry in ClinVar:

NM_017909.4(RMND1):c.518G>C (p.Cys173Ser)

Gene: RMND1 (required for meiotic nuclear division 1 homolog; minus strand). Cytogenetic location: 6q25.1.
Variant type: single nucleotide variant.
Coding change: c.518G>C on transcript NM_017909.4 (MANE Select); coding-DNA position 518, G replaced by C.
Protein change: p.Cys173Ser; replaces cysteine 173 with serine.
Molecular consequence: missense variant.
Genome position (GRCh38, 1-based): chr6:151,436,541, C>G on the plus strand (G>C on the coding strand, the complement: RMND1 is on the minus strand). VCF-style: chr6-151436541-C-G. GRCh37 (hg19) VCF-style: chr6-151757676-C-G.
Other names: c.8G>C, p.Cys3Ser (NM_001271937.2); c.518G>C (NM_017909.2); short protein forms C3S, C173S.
Identifiers: ClinVar variation 2117491 (VCV002117491.5), dbSNP rs1780621207, ClinGen allele CA366062990.

ClinVar aggregate classification (germline): Uncertain significance. Review status: criteria provided, multiple submitters, no conflicts (2 of 4 stars). 2 submissions from 2 submitters: Uncertain significance (2). Last evaluated 2025-07-14.

Conditions:
Inborn genetic diseases. Identifiers: MedGen C0950123, MeSH D030342.

Allele frequency attached by ClinVar (database versions not stated): gnomAD exomes below 0.00001.
gnomAD v4.1: 7 of 1,613,816 alleles (0.00043%); highest among the groups gnomAD compares: Non-Finnish European, 0.00042%; no homozygotes.

Submissions (2):

Ambry Genetics
Classification: Uncertain significance for Inborn genetic diseases. Last evaluated: 2025-07-14. Review status: criteria provided, single submitter. Criteria: Ambry Variant Classification Scheme 2023. Collection method: clinical testing. Allele origin: germline.

Labcorp Genetics (formerly Invitae), Labcorp
Classification: Uncertain significance. Last evaluated: 2022-08-06. Review status: criteria provided, single submitter. Criteria: Invitae Variant Classification Sherloc (09022015). Collection method: clinical testing. Allele origin: germline.
Comment: Algorithms developed to predict the effect of missense changes on protein structure and function are either unavailable or do not agree on the potential impact of this missense change (SIFT: "Deleterious"; PolyPhen-2: "Probably Damaging"; Align-GVGD: "Class C0"). In summary, the available evidence is currently insufficient to determine the role of this variant in disease. Therefore, it has been classified as a Variant of Uncertain Significance. This variant has not been reported in the literature in individuals affected with RMND1-related conditions. This variant is not present in population databases (gnomAD no frequency). This sequence change replaces cysteine, which is neutral and slightly polar, with serine, which is neutral and polar, at codon 173 of the RMND1 protein (p.Cys173Ser).